The following is an entry in ClinVar:

NM_001134407.3(GRIN2A):c.2457C>T (p.Gly819=)

Gene: GRIN2A (glutamate ionotropic receptor NMDA type subunit 2A; minus strand). Cytogenetic location: 16p13.2.
Variant type: single nucleotide variant.
Coding change: c.2457C>T on transcript NM_001134407.3 (MANE Select); coding-DNA position 2457, C replaced by T.
Protein change: p.Gly819=; no amino-acid change (glycine 819 retained).
Molecular consequence: synonymous variant.
Genome position (GRCh38, 1-based): chr16:9,768,989, G>A on the plus strand (C>T on the coding strand, the complement: GRIN2A is on the minus strand). VCF-style: chr16-9768989-G-A. GRCh37 (hg19) VCF-style: chr16-9862846-G-A.
Other names: c.2457C>T, p.Gly819= (NM_000833.5, NM_001134408.2).
Identifiers: ClinVar variation 681629 (VCV000681629.12), dbSNP rs750219908, ClinGen allele CA277546507.

ClinVar aggregate classification (germline): Likely benign. Review status: criteria provided, multiple submitters, no conflicts (2 of 4 stars). 3 submissions from 3 submitters: Likely benign (3). Last evaluated 2025-07-09.

Conditions:
Landau-Kleffner syndrome (FESD). Also called: APHASIA, ACQUIRED, WITH EPILEPSY; EPILEPSY, FOCAL, WITH SPEECH DISORDER AND WITH OR WITHOUT MENTAL RETARDATION. Identifiers: Orphanet 1945, Orphanet 725, Orphanet 98818, MedGen C0282512, MONDO:0009509, OMIM 245570.

Allele frequency attached by ClinVar (database versions not stated): gnomAD exomes below 0.00001; TOPMed below 0.00001; gnomAD 0.00003.
gnomAD v4.1: 5 of 1,613,684 alleles (0.00031%); highest among the groups gnomAD compares: African/African-American, 0.0053%; no homozygotes.

Submissions (4):

Labcorp Genetics (formerly Invitae), Labcorp
Classification: Likely benign for Landau-Kleffner syndrome. Last evaluated: 2025-07-09. Review status: criteria provided, single submitter. Criteria: Invitae Variant Classification Sherloc (09022015). Collection method: clinical testing. Allele origin: germline.

Blueprint Genetics
Classification: Likely benign. Last evaluated: 2023-01-02. Review status: criteria provided, single submitter. Criteria: ACMG Guidelines, 2015. Collection method: clinical testing. Allele origin: germline.

GeneDx
Classification: Likely benign. Last evaluated: 2018-04-10. Review status: criteria provided, single submitter. Criteria: GeneDx Variant Classification (06012015). Collection method: clinical testing. Allele origin: germline. Affected: yes.
Comment: This variant is considered likely benign or benign based on one or more of the following criteria: it is a conservative change, it occurs at a poorly conserved position in the protein, it is predicted to be benign by multiple in silico algorithms, and/or has population frequency not consistent with disease.

Dr. Peter K. Rogan Lab, Western University
No classification provided (evidence only). Condition: Hepatocellular carcinoma. Review status: no classification provided. Collection method: in vitro. Allele origin: not applicable. Functional consequence: retained intron. Not counted in ClinVar's aggregate classification.